The following is an entry in ClinVar:

ClinVar aggregate classification (germline): Uncertain significance (1 of 4 stars; one submission).

Conditions:
Joubert syndrome. Also called: JOUBERT-BOLTSHAUSER SYNDROME; Familial aplasia of the vermis. Identifiers: Orphanet 475, MedGen C5979921, MONDO:0018772.
Meckel-Gruber syndrome. Also called: DYSENCEPHALIA SPLANCHNOCYSTICA; GRUBER SYNDROME; Dysencephalia splachnocystica. Identifiers: Orphanet 564, MedGen C0265215, MONDO:0018921.

Submission:

Labcorp Genetics (formerly Invitae), Labcorp
Classification: Uncertain significance for Joubert syndrome; Meckel-Gruber syndrome. Last evaluated: 2025-07-07. Review status: criteria provided, single submitter. Criteria: Invitae Variant Classification Sherloc (09022015). Collection method: clinical testing. Allele origin: germline.
Comment: This sequence change replaces valine, which is neutral and non-polar, with leucine, which is neutral and non-polar, at codon 1060 of the CC2D2A protein (p.Val1060Leu). This variant is not present in population databases (gnomAD no frequency). This variant has not been reported in the literature in individuals affected with CC2D2A-related conditions. ClinVar contains an entry for this variant (Variation ID: 2109727). Invitae Evidence Modeling of protein sequence and biophysical properties (such as structural, functional, and spatial information, amino acid conservation, physicochemical variation, residue mobility, and thermodynamic stability) indicates that this missense variant is not expected to disrupt CC2D2A protein function with a negative predictive value of 95%. In summary, the available evidence is currently insufficient to determine the role of this variant in disease. Therefore, it has been classified as a Variant of Uncertain Significance.

NM_001378615.1(CC2D2A):c.3178G>T (p.Val1060Leu)

Genes: CC2D2A (coiled-coil and C2 domain containing 2A; plus strand), FBXL5 (F-box and leucine rich repeat protein 5; minus strand). Cytogenetic location: 4p15.32.
Variant type: single nucleotide variant.
Coding change: c.3178G>T on transcript NM_001378615.1 (MANE Select); coding-DNA position 3178, G replaced by T.
Protein change: p.Val1060Leu; replaces valine 1060 with leucine.
Molecular consequence: missense variant.
Genome position (GRCh38, 1-based): chr4:15,563,518, G>T. VCF-style: chr4-15563518-G-T. GRCh37 (hg19) VCF-style: chr4-15565141-G-T.
Other names: c.3178G>T, p.Val1060Leu (NM_001080522.2); c.3031G>T, p.Val1011Leu (NM_001378617.1); short protein forms V1011L, V1060L.
Identifiers: ClinVar variation 2109727 (VCV002109727.4), dbSNP rs1392310906, ClinGen allele CA356416386.